The following is an entry in ClinVar:

ClinVar aggregate classification (germline): Uncertain significance. Review status: criteria provided, multiple submitters, no conflicts (2 of 4 stars). 2 submissions from 2 submitters: Uncertain significance (2). Last evaluated 2024-10-02.

Conditions:
2-aminoadipic 2-oxoadipic aciduria (AAKAD). Also called: Aminoadipic aciduria; ALPHA-AMINOADIPIC AND ALPHA-KETOADIPIC ACIDURIA. Identifiers: Orphanet 79154, MedGen C1859817, MONDO:0008774, OMIM 204750.
Inborn genetic diseases. Identifiers: MedGen C0950123, MeSH D030342.

Submissions (2):

Labcorp Genetics (formerly Invitae), Labcorp
Classification: Uncertain significance for 2-aminoadipic 2-oxoadipic aciduria. Last evaluated: 2024-10-02. Review status: criteria provided, single submitter. Criteria: Invitae Variant Classification Sherloc (09022015). Collection method: clinical testing. Allele origin: germline.
Comment: This sequence change replaces asparagine, which is neutral and polar, with serine, which is neutral and polar, at codon 123 of the DHTKD1 protein (p.Asn123Ser). This variant is not present in population databases (gnomAD no frequency). This variant has not been reported in the literature in individuals affected with DHTKD1-related conditions. Invitae Evidence Modeling of protein sequence and biophysical properties (such as structural, functional, and spatial information, amino acid conservation, physicochemical variation, residue mobility, and thermodynamic stability) indicates that this missense variant is not expected to disrupt DHTKD1 protein function with a negative predictive value of 80%. In summary, the available evidence is currently insufficient to determine the role of this variant in disease. Therefore, it has been classified as a Variant of Uncertain Significance.

Ambry Genetics
Classification: Uncertain significance for Inborn genetic diseases. Last evaluated: 2024-06-17. Review status: criteria provided, single submitter. Criteria: Ambry Variant Classification Scheme 2023. Collection method: clinical testing. Allele origin: germline.

NM_018706.7(DHTKD1):c.368A>G (p.Asn123Ser)

Gene: DHTKD1 (dehydrogenase E1 and transketolase domain containing 1; plus strand). Cytogenetic location: 10p14.
Variant type: single nucleotide variant.
Coding change: c.368A>G on transcript NM_018706.7 (MANE Select); coding-DNA position 368, A replaced by G.
Protein change: p.Asn123Ser; replaces asparagine 123 with serine.
Molecular consequence: missense variant.
Genome position (GRCh38, 1-based): chr10:12,084,597, A>G. VCF-style: chr10-12084597-A-G. GRCh37 (hg19) VCF-style: chr10-12126596-A-G.
Other names: short protein forms N123S.
Identifiers: ClinVar variation 3271841 (VCV003271841.3).